The following is an entry in ClinVar:

ClinVar aggregate classification (germline): Uncertain significance (1 of 4 stars; one submission).

Allele frequency attached by ClinVar (database versions not stated): gnomAD exomes 0.00002 and 0.00008; gnomAD 0.00007; TOPMed 0.00008; ExAC 0.00009.

Submission:

Labcorp Genetics (formerly Invitae), Labcorp
Classification: Uncertain significance. Last evaluated: 2022-02-28. Review status: criteria provided, single submitter. Criteria: Invitae Variant Classification Sherloc (09022015). Collection method: clinical testing. Allele origin: germline.
Comment: This variant has not been reported in the literature in individuals affected with ERBB2-related conditions. This variant is present in population databases (rs773649491, gnomAD 0.06%), and has an allele count higher than expected for a pathogenic variant. This sequence change replaces glutamine, which is neutral and polar, with arginine, which is basic and polar, at codon 398 of the ERBB2 protein (p.Gln398Arg). Algorithms developed to predict the effect of missense changes on protein structure and function output the following: SIFT: "Tolerated"; PolyPhen-2: "Benign"; Align-GVGD: "Class C0". The arginine amino acid residue is found in multiple mammalian species, which suggests that this missense change does not adversely affect protein function. In summary, the available evidence is currently insufficient to determine the role of this variant in disease. Therefore, it has been classified as a Variant of Uncertain Significance.

NM_004448.4(ERBB2):c.1193A>G (p.Gln398Arg)

Gene: ERBB2 (erb-b2 receptor tyrosine kinase 2; plus strand). Cytogenetic location: 17q12.
Variant type: single nucleotide variant.
Coding change: c.1193A>G on transcript NM_004448.4 (MANE Select); coding-DNA position 1193, A replaced by G.
Protein change: p.Gln398Arg; replaces glutamine 398 with arginine.
Molecular consequence: missense variant. On other transcripts: non-coding transcript variant (1).
Genome position (GRCh38, 1-based): chr17:39,715,330, A>G. VCF-style: chr17-39715330-A-G. GRCh37 (hg19) VCF-style: chr17-37871583-A-G.
Other names: c.1193A>G, p.Gln398Arg (NM_001382798.1, NM_001382800.1, NM_001382801.1 and 14 more transcripts); c.1013A>G, p.Gln338Arg (NM_001382799.1); c.935A>G, p.Gln312Arg (NM_001382802.1); c.365A>G, p.Gln122Arg (NM_001382804.1); c.1103A>G, p.Gln368Arg (NM_001005862.3, NM_001289938.2, NM_001382782.1 and 1 more transcripts); c.1148A>G, p.Gln383Arg (NM_001289936.2); c.1310A>G, p.Gln437Arg (NM_001382784.1, NM_001382786.1); c.1268A>G, p.Gln423Arg (NM_001382787.1); and 1 more; short protein forms Q312R, Q398R, Q122R, Q437R, Q368R, Q383R, Q423R, Q338R.
Identifiers: ClinVar variation 1430247 (VCV001430247.6), dbSNP rs773649491, ClinGen allele CA8533899.